The following is an entry in ClinVar:

ClinVar aggregate classification (germline): Uncertain significance (1 of 4 stars; one submission).

Conditions:
Hypertrophic cardiomyopathy 1 (CMH1). Also called: MYH7-Related Familial Hypertrophic Cardiomyopathy; Familial hypertrophic cardiomyopathy 1. Identifiers: MedGen C3495498, MONDO:0008647, OMIM 192600.

Submission:

Agnes Ginges Centre for Molecular Cardiology, Centenary Institute
Classification: Uncertain significance for Hypertrophic cardiomyopathy 1. Last evaluated: 2016-12-17. Review status: criteria provided, single submitter. Criteria: Agnes Ginges Centre for Molecular Cardiology criteria (2015). Collection method: research. Allele origin: germline. Inheritance: Autosomal dominant inheritance. Affected: yes.
Comment: This MYH7 Met493Lys variant has not been previously described. However, genetic screening of HCM cohorts have reported variants at the same position which result in different amino acid substitutions (Met493Leu, Met493Ile and Met493Val) suggesting that an amino acid substitution at this site may not be tolerated. MYH7 Met493Lys is absent from the 1000 genomes project, and the Exome Aggregation Consortium dataset. In a large HCM population study Walsh et al., identified that MYH7 variants identified in HCM cases were found to cluster between amino acids 181- 937 (2017), this implies that variants in this region are likely to cause a HCM phenotype. Methionine at position 493 is highly conserved across distantly related species, and computational tools SIFT, MutationTaster and Polyphen_HCM predict the variant to be deleterious. Based on the absence of this variant in the general population, predictions from a number of in silico models, and because the variant is located in a 'hotspot' of MYH7, we classify Met493Lys as a variant of 'uncertain significance'.

NM_000257.4(MYH7):c.1478T>A (p.Met493Lys)

Gene: MYH7 (myosin heavy chain 7; minus strand). Cytogenetic location: 14q11.2.
Variant type: single nucleotide variant.
Coding change: c.1478T>A on transcript NM_000257.4 (MANE Select); coding-DNA position 1478, T replaced by A.
Protein change: p.Met493Lys; replaces methionine 493 with lysine.
Molecular consequence: missense variant.
Genome position (GRCh38, 1-based): chr14:23,428,600, A>T on the plus strand (T>A on the coding strand, the complement: MYH7 is on the minus strand). VCF-style: chr14-23428600-A-T. GRCh37 (hg19) VCF-style: chr14-23897809-A-T.
Other names: c.1478T>A (LRG_384t1); short protein forms M493K.
Identifiers: ClinVar variation 192308 (VCV000192308.2), dbSNP rs786205905, ClinGen allele CA010812.